The following is an entry in ClinVar:

ClinVar aggregate classification (germline): Conflicting classifications of pathogenicity. Review status: criteria provided, conflicting classifications (1 of 4 stars). 3 submissions from 3 submitters: Uncertain significance (2); Likely benign (1). Last evaluated 2024-03-25.

Conditions:
Severe early-childhood-onset retinal dystrophy (STGD1). Also called: Stargardt macular dystrophy; Juvenile onset macular degeneration; Stargardt disease 1; MACULAR DYSTROPHY WITH FLECKS, TYPE 1; STGD. Identifiers: Orphanet 364055, Orphanet 827, MedGen C1855465, MeSH D000080362, MONDO:0009549, OMIM 248200.
Cone-rod dystrophy 3 (CORD3). Identifiers: Orphanet 1872, MedGen C1858806, MONDO:0011395, OMIM 604116.
Retinitis pigmentosa 19 (RP19). Also called: ABCA4-Related Retinitis Pigmentosa. Identifiers: Orphanet 791, MedGen C1866422, MONDO:0011137, OMIM 601718.
Age related macular degeneration 2. Also called: MACULAR DEGENERATION, SENILE; MACULOPATHY, AGE-RELATED, 2; MACULOPATHY, AGE-RELATED. Identifiers: MedGen C3495438, MONDO:0007932, OMIM 153800.

Allele frequency attached by ClinVar (database versions not stated): ExAC 0.00002; gnomAD exomes 0.00002.
gnomAD v4.1: 10 of 1,613,792 alleles (0.00062%); highest among the groups gnomAD compares: South Asian, 0.0011%; no homozygotes.

Submissions (3):

Blueprint Genetics
Classification: Likely benign. Last evaluated: 2024-03-25. Review status: criteria provided, single submitter. Criteria: ACMG Guidelines, 2015. Collection method: clinical testing. Allele origin: germline.

Labcorp Genetics (formerly Invitae), Labcorp
Classification: Uncertain significance. Last evaluated: 2021-08-30. Review status: criteria provided, single submitter. Criteria: Invitae Variant Classification Sherloc (09022015). Collection method: clinical testing. Allele origin: germline.
Comment: This sequence change falls in intron 3 of the ABCA4 gene. It does not directly change the encoded amino acid sequence of the ABCA4 protein. It affects a nucleotide within the consensus splice site of the intron. This variant is present in population databases (rs777945195, ExAC 0.003%). This variant has not been reported in the literature in individuals affected with ABCA4-related conditions. Variants that disrupt the consensus splice site are a relatively common cause of aberrant splicing (PMID: 17576681, 9536098). Algorithms developed to predict the effect of sequence changes on RNA splicing suggest that this variant is not likely to affect RNA splicing. In summary, the available evidence is currently insufficient to determine the role of this variant in disease. Therefore, it has been classified as a Variant of Uncertain Significance.

Fulgent Genetics
Classification: Uncertain significance for Age related macular degeneration 2; Severe early-childhood-onset retinal dystrophy; Retinitis pigmentosa 19; Cone-rod dystrophy 3. Last evaluated: 2021-07-07. Review status: criteria provided, single submitter. Criteria: ACMG Guidelines, 2015. Collection method: clinical testing. Allele origin: unknown.

Literature cited by the submitters: PubMed 17576681 (cited by Labcorp Genetics (formerly Invitae), Labcorp); PubMed 9536098 (cited by Labcorp Genetics (formerly Invitae), Labcorp).

NM_000350.3(ABCA4):c.303-3C>T

Gene: ABCA4 (ATP binding cassette subfamily A member 4; minus strand). Cytogenetic location: 1p22.1.
Variant type: single nucleotide variant.
Coding change: c.303-3C>T on transcript NM_000350.3 (MANE Select); 3 bases into the intron before coding-DNA position 303, C replaced by T.
Molecular consequence: intron variant.
Genome position (GRCh38, 1-based): chr1:94,108,719, G>A on the plus strand (C>T on the coding strand, the complement: ABCA4 is on the minus strand). VCF-style: chr1-94108719-G-A. GRCh37 (hg19) VCF-style: chr1-94574275-G-A.
Identifiers: ClinVar variation 937179 (VCV000937179.9), dbSNP rs777945195, ClinGen allele CA958867.